The following is an entry in ClinVar:

NM_003859.3(DPM1):c.29C>G (p.Pro10Arg)

Genes: DPM1 (dolichyl-phosphate mannosyltransferase subunit 1, catalytic; minus strand), LOC130066166 (ATAC-STARR-seq lymphoblastoid active region 18108; plus strand). Cytogenetic location: 20q13.13.
Variant type: single nucleotide variant.
Coding change: c.29C>G on transcript NM_003859.3 (MANE Select); coding-DNA position 29, C replaced by G.
Protein change: p.Pro10Arg; replaces proline 10 with arginine.
Molecular consequence: missense variant. On other transcripts: non-coding transcript variant (1).
Genome position (GRCh38, 1-based): chr20:50,958,495, G>C on the plus strand (C>G on the coding strand, the complement: DPM1 is on the minus strand). VCF-style: chr20-50958495-G-C. GRCh37 (hg19) VCF-style: chr20-49575032-G-C.
Other names: c.29C>G, p.Pro10Arg (NM_001317034.1, NM_001317035.1, NM_001317036.1); short protein forms P10R.
Identifiers: ClinVar variation 958086 (VCV000958086.10), dbSNP rs755912457, ClinGen allele CA408981202.

ClinVar aggregate classification (germline): Uncertain significance (1 of 4 stars; one submission).

Conditions:
Congenital disorder of glycosylation type 1E (CDG1E). Also called: CONGENITAL DISORDER OF GLYCOSYLATION, TYPE Ie; CDG Ie. Identifiers: Orphanet 79322, MedGen C1837396, MONDO:0012123, OMIM 608799.

gnomAD v4.1: 1 of 1,613,864 alleles (0.000062%); highest among the groups gnomAD compares: Non-Finnish European, 0.000085%; no homozygotes.

Submission:

Labcorp Genetics (formerly Invitae), Labcorp
Classification: Uncertain significance for Congenital disorder of glycosylation type 1E. Last evaluated: 2024-02-16. Review status: criteria provided, single submitter. Criteria: Invitae Variant Classification Sherloc (09022015). Collection method: clinical testing. Allele origin: germline.
Comment: This sequence change replaces proline, which is neutral and non-polar, with arginine, which is basic and polar, at codon 10 of the DPM1 protein (p.Pro10Arg). This variant is not present in population databases (gnomAD no frequency). This variant has not been reported in the literature in individuals affected with DPM1-related conditions. ClinVar contains an entry for this variant (Variation ID: 958086). Experimental studies and prediction algorithms are not available or were not evaluated, and the functional significance of this variant is currently unknown. In summary, the available evidence is currently insufficient to determine the role of this variant in disease. Therefore, it has been classified as a Variant of Uncertain Significance.